The following is an entry in ClinVar:

NM_000175.5(GPI):c.414C>T (p.Ser138=)

Gene: GPI (glucose-6-phosphate isomerase; plus strand). Cytogenetic location: 19q13.11.
Variant type: single nucleotide variant.
Coding change: c.414C>T on transcript NM_000175.5 (MANE Select); coding-DNA position 414, C replaced by T.
Protein change: p.Ser138=; no amino-acid change (serine 138 retained).
Molecular consequence: synonymous variant. On other transcripts: intron variant (2).
Genome position (GRCh38, 1-based): chr19:34,377,514, C>T. VCF-style: chr19-34377514-C-T. GRCh37 (hg19) VCF-style: chr19-34868419-C-T.
Other names: p.Ser138=; c.531C>T, p.Ser177= (NM_001289789.1); c.414C>T, p.Ser138= (NM_001329909.1, NM_001329910.1, NM_001329911.2); c.520-221C>T (NM_001184722.1); c.403-221C>T (NM_001289790.3).
Identifiers: ClinVar variation 3710860 (VCV003710860.4).

ClinVar aggregate classification (germline): Likely benign. Review status: criteria provided, multiple submitters, no conflicts (2 of 4 stars). 3 submissions from 3 submitters: Likely benign (3). Last evaluated 2024-12-24.

Conditions:
Hemolytic anemia due to glucophosphate isomerase deficiency (CNSHA4). Also called: ANEMIA, CONGENITAL, NONSPHEROCYTIC HEMOLYTIC, 4. Identifiers: Orphanet 712, MedGen C0272064, MONDO:0013275, OMIM 613470.

gnomAD v4.1: 237 of 1,611,426 alleles (0.015%); highest among the groups gnomAD compares: Non-Finnish European, 0.018%; no homozygotes.

Submissions (3):

Mayo Clinic Laboratories, Mayo Clinic
Classification: Likely benign. Last evaluated: 2024-12-24. Review status: criteria provided, single submitter. Criteria: ACMG Guidelines, 2015. Collection method: clinical testing. Allele origin: germline. Observed: 4 variant alleles.
Comment: BP4, BP7

ARUP Laboratories, Molecular Genetics and Genomics, ARUP Laboratories
Classification: Likely benign for Hemolytic anemia due to glucophosphate isomerase deficiency. Last evaluated: 2024-07-17. Review status: criteria provided, single submitter. Criteria: ARUP Molecular Germline Variant Investigation Process 2024. Collection method: clinical testing. Allele origin: germline.

Labcorp Genetics (formerly Invitae), Labcorp
Classification: Likely benign. Last evaluated: 2024-07-12. Review status: criteria provided, single submitter. Criteria: Invitae Variant Classification Sherloc (09022015). Collection method: clinical testing. Allele origin: germline.